The following is an entry in ClinVar:

NM_000090.4(COL3A1):c.4011+3A>G

Gene: COL3A1 (collagen type III alpha 1 chain; plus strand). Cytogenetic location: 2q32.2.
Variant type: single nucleotide variant.
Coding change: c.4011+3A>G on transcript NM_000090.4 (MANE Select); 3 bases into the intron after coding-DNA position 4011, A replaced by G.
Molecular consequence: intron variant.
Genome position (GRCh38, 1-based): chr2:189,010,368, A>G. VCF-style: chr2-189010368-A-G. GRCh37 (hg19) VCF-style: chr2-189875094-A-G.
Other names: p.?; c.4011+3A>G (NM_000090.3).
Identifiers: ClinVar variation 1006782 (VCV001006782.11), dbSNP rs112254545, ClinGen allele CA62564013.
Genomic context (GRCh38, chr2:189,010,368, plus strand): 5'-TTCTAGTGCTGAGAAGAAACACGTTTGGTTTGGAGAGTCCATGGATGGTGGTTTTCAGGT[A>G]GGAAAGGATATACCTTTTTTTAAATAAGTCACCTCTATATCCTTTGTATTCTTCCTATAT-3'

ClinVar aggregate classification (germline): Uncertain significance. Review status: criteria provided, multiple submitters, no conflicts (2 of 4 stars). 4 submissions from 4 submitters: Uncertain significance (4). Last evaluated 2026-05-26.

Conditions:
Familial thoracic aortic aneurysm and aortic dissection (TAAD). Also called: Thoracic aortic aneurysms and dissections. Identifiers: Orphanet 91387, MedGen C4707243, MONDO:0019625.
Ehlers-Danlos syndrome, type 4 (EDSVASC). Also called: Ehlers-Danlos syndrome vascular type; Ehlers Danlos syndrome, ecchymotic type; Ehlers Danlos syndrome, arterial type; Ehlers Danlos syndrome, Sack-Barabas type; Ehlers-Danlos Syndrome Type IV. Identifiers: Orphanet 286, MedGen C0268338, MONDO:0017314, OMIM 130050.

Allele frequency attached by ClinVar (database versions not stated): TOPMed below 0.00001; gnomAD 0.00001 and 0.00002; gnomAD exomes 0.00001; ESP Exome Variant Server 0.00008.
gnomAD v4.1: 15 of 1,613,942 alleles (0.00093%); highest among the groups gnomAD compares: African/African-American, 0.0013%; no homozygotes.

Submissions (4):

Ambry Genetics
Classification: Uncertain significance for Familial thoracic aortic aneurysm and aortic dissection. Last evaluated: 2026-05-26. Review status: criteria provided, single submitter. Criteria: Ambry Variant Classification Scheme 2023. Collection method: clinical testing. Allele origin: germline.
Comment: The c.4011+3A>G intronic variant results from an A to G substitution 3 nucleotides after coding exon 49 in the COL3A1 gene. This nucleotide position is not well conserved in available vertebrate species. In silico splice site analysis for this alteration is inconclusive; however, direct evidence is insufficient at this time (Ambry internal data). Based on the available evidence, the clinical significance of this variant remains unclear.

Labcorp Genetics (formerly Invitae), Labcorp
Classification: Uncertain significance for Ehlers-Danlos syndrome, type 4. Last evaluated: 2025-09-26. Review status: criteria provided, single submitter. Criteria: Invitae Variant Classification Sherloc (09022015). Collection method: clinical testing. Allele origin: germline.
Comment: This sequence change falls in intron 49 of the COL3A1 gene. It does not directly change the encoded amino acid sequence of the COL3A1 protein. It affects a nucleotide within the consensus splice site. This variant is present in population databases (rs112254545, gnomAD 0.004%). This variant has not been reported in the literature in individuals affected with COL3A1-related conditions. ClinVar contains an entry for this variant (Variation ID: 1006782). Variants that disrupt the consensus splice site are a relatively common cause of aberrant splicing (PMID: 17576681, 9536098). Algorithms developed to predict the effect of sequence changes on RNA splicing suggest that this variant is not likely to affect RNA splicing. In summary, the available evidence is currently insufficient to determine the role of this variant in disease. Therefore, it has been classified as a Variant of Uncertain Significance.

Mayo Clinic Laboratories, Mayo Clinic
Classification: Uncertain significance. Last evaluated: 2025-08-21. Review status: criteria provided, single submitter. Criteria: ACMG Guidelines, 2015. Collection method: clinical testing. Allele origin: germline. Observed: 1 variant allele.
Comment: BP4

Color Diagnostics, LLC DBA Color Health
Classification: Uncertain significance for Familial thoracic aortic aneurysm and aortic dissection. Last evaluated: 2025-07-29. Review status: criteria provided, single submitter. Criteria: ACMG Guidelines, 2015. Collection method: clinical testing. Allele origin: germline.
Comment: This variant causes an A to G nucleotide substitution at the +3 position of intron 49 of the COL3A1 gene. To our knowledge, functional studies have not been reported for this variant. This variant has not been reported in individuals affected with COL3A1-related disorders in the literature. This variant has been identified in 4/282696 chromosomes in the general population by the Genome Aggregation Database (gnomAD). The available evidence is insufficient to determine the role of this variant in disease conclusively. Therefore, this variant is classified as a Variant of Uncertain Significance.

Literature cited by the submitters: PubMed 17576681 (cited by Labcorp Genetics (formerly Invitae), Labcorp); PubMed 9536098 (cited by Labcorp Genetics (formerly Invitae), Labcorp).